The following is an entry in ClinVar:

NM_006755.2(TALDO1):c.221+398C>G

Gene: TALDO1 (transaldolase 1; plus strand). Cytogenetic location: 11p15.5.
Variant type: single nucleotide variant.
Coding change: c.221+398C>G on transcript NM_006755.2 (MANE Select); 398 bases into the intron after coding-DNA position 221, C replaced by G.
Molecular consequence: intron variant.
Genome position (GRCh38, 1-based): chr11:756,400, C>G. VCF-style: chr11-756400-C-G. GRCh37 (hg19) VCF-style: chr11-756400-C-G.
Identifiers: ClinVar variation 4538356 (VCV004538356.1).

ClinVar aggregate classification (germline): Uncertain significance (1 of 4 stars; one submission).

Submission:

Greenwood Genetic Center Diagnostic Laboratories, Greenwood Genetic Center
Classification: Uncertain significance. Last evaluated: 2025-04-14. Review status: criteria provided, single submitter. Criteria: ACMG Guidelines, 2015. Collection method: clinical testing. Allele origin: germline. Affected: yes.
Comment: PM2, PM3_Supporting